The following is an entry in ClinVar:

ClinVar aggregate classification (germline): Uncertain significance. Review status: criteria provided, multiple submitters, no conflicts (2 of 4 stars). 2 submissions from 2 submitters: Uncertain significance (2). Last evaluated 2026-03-11.

Conditions:
Myopathy caused by variation in FKRP. Identifiers: MedGen CN305637, MONDO:0700066.
Walker-Warburg congenital muscular dystrophy. Also called: Muscular dystrophy-dystroglycanopathy, type A; Walker-Warburg syndrome. Identifiers: Orphanet 899, MedGen C0265221, MONDO:0000171.

Submissions (2):

Myriad Genetics, Inc.
Classification: Uncertain significance for Myopathy caused by variation in FKRP. Last evaluated: 2026-03-11. Review status: criteria provided, single submitter. Criteria: Myriad Autosomal Dominant, Autosomal Recessive and X-Linked Classification Criteria (2023). Collection method: clinical testing. Allele origin: unknown.
Comment: NM_024301.4(FKRP):c.292A>T(N98Y) is a missense variant classified as a variant of uncertain significance in the context of FKRP-related disorders. N98Y has been observed in a case with relevant disease (PMID: 36575883). Relevant functional assessments of this variant are not available in the literature. N98Y has not been observed in referenced population frequency databases. In summary, there is insufficient evidence to classify NM_024301.4(FKRP):c.292A>T(N98Y) as pathogenic or benign. Please note: this variant was assessed in the context of healthy population screening.

Labcorp Genetics (formerly Invitae), Labcorp
Classification: Uncertain significance for Walker-Warburg congenital muscular dystrophy. Last evaluated: 2022-11-22. Review status: criteria provided, single submitter. Criteria: Invitae Variant Classification Sherloc (09022015). Collection method: clinical testing. Allele origin: germline.
Comment: In summary, the available evidence is currently insufficient to determine the role of this variant in disease. Therefore, it has been classified as a Variant of Uncertain Significance. Algorithms developed to predict the effect of missense changes on protein structure and function (SIFT, PolyPhen-2, Align-GVGD) all suggest that this variant is likely to be tolerated. ClinVar contains an entry for this variant (Variation ID: 1348474). This variant has not been reported in the literature in individuals affected with FKRP-related conditions. This variant is not present in population databases (gnomAD no frequency). This sequence change replaces asparagine, which is neutral and polar, with tyrosine, which is neutral and polar, at codon 98 of the FKRP protein (p.Asn98Tyr).

Literature cited by the submitters: PubMed 36575883 (cited by Myriad Genetics, Inc.).

NM_024301.5(FKRP):c.292A>T (p.Asn98Tyr)

Gene: FKRP (fukutin related protein; plus strand). Cytogenetic location: 19q13.32.
Variant type: single nucleotide variant.
Coding change: c.292A>T on transcript NM_024301.5 (MANE Select); coding-DNA position 292, A replaced by T.
Protein change: p.Asn98Tyr; replaces asparagine 98 with tyrosine.
Molecular consequence: missense variant.
Genome position (GRCh38, 1-based): chr19:46,755,742, A>T. VCF-style: chr19-46755742-A-T. GRCh37 (hg19) VCF-style: chr19-47258999-A-T.
Other names: c.292A>T, p.Asn98Tyr (NM_001039885.3); short protein forms N98Y.
Identifiers: ClinVar variation 1348474 (VCV001348474.9), dbSNP rs1268536934, ClinGen allele CA406495044.